The following is an entry in ClinVar:

ClinVar aggregate classification (germline): Likely pathogenic (1 of 4 stars; one submission).

Submission:

Labcorp Genetics (formerly Invitae), Labcorp
Classification: Likely pathogenic. Last evaluated: 2022-03-08. Review status: criteria provided, single submitter. Criteria: Invitae Variant Classification Sherloc (09022015). Collection method: clinical testing. Allele origin: germline.
Comment: Disruption of this splice site has been observed in individual(s) with autosomal recessive dystrophic epidermolysis bullosa (RDEB) (PMID: 16971478). Algorithms developed to predict the effect of sequence changes on RNA splicing suggest that this variant may disrupt the consensus splice site. In summary, the currently available evidence indicates that the variant is pathogenic, but additional data are needed to prove that conclusively. Therefore, this variant has been classified as Likely Pathogenic. This variant is not present in population databases (gnomAD no frequency). This sequence change affects an acceptor splice site in intron 4 of the COL7A1 gene. It is expected to disrupt RNA splicing. Variants that disrupt the donor or acceptor splice site typically lead to a loss of protein function (PMID: 16199547), and loss-of-function variants in COL7A1 are known to be pathogenic (PMID: 16971478).

Literature cited by the submitters: PubMed 16971478; PubMed 16199547.

NM_000094.4(COL7A1):c.521-2A>G

Gene: COL7A1 (collagen type VII alpha 1 chain; minus strand). Cytogenetic location: 3p21.31.
Variant type: single nucleotide variant.
Coding change: c.521-2A>G on transcript NM_000094.4 (MANE Select); the canonical splice acceptor site of the intron before coding-DNA position 521, A replaced by G.
Molecular consequence: splice acceptor variant.
Genome position (GRCh38, 1-based): chr3:48,593,265, T>C on the plus strand (A>G on the coding strand, the complement: COL7A1 is on the minus strand). VCF-style: chr3-48593265-T-C. GRCh37 (hg19) VCF-style: chr3-48630698-T-C.
Identifiers: ClinVar variation 1482841 (VCV001482841.6), dbSNP rs112176369, ClinGen allele CA73993682.